The following is an entry in ClinVar:

NM_004006.3(DMD):c.6017A>C (p.His2006Pro)

Gene: DMD (dystrophin; minus strand). Cytogenetic location: Xp21.1.
Variant type: single nucleotide variant.
Coding change: c.6017A>C on transcript NM_004006.3 (MANE Select); coding-DNA position 6017, A replaced by C.
Protein change: p.His2006Pro; replaces histidine 2006 with proline.
Molecular consequence: missense variant.
Genome position (GRCh38, 1-based): chrX:32,310,182, T>G on the plus strand (A>C on the coding strand, the complement: DMD is on the minus strand). VCF-style: chrX-32310182-T-G. GRCh37 (hg19) VCF-style: chrX-32328299-T-G.
Other names: c.5993A>C, p.His1998Pro (NM_000109.4); c.6005A>C, p.His2002Pro (NM_004009.3); c.5648A>C, p.His1883Pro (NM_004010.3); c.1994A>C, p.His665Pro (NM_004011.4); c.1985A>C, p.His662Pro (NM_004012.4); short protein forms H1998P, H662P, H665P, H2002P, H1883P, H2006P.
Identifiers: ClinVar variation 1479751 (VCV001479751.8), dbSNP rs2148595619, ClinGen allele CA412669822.

ClinVar aggregate classification (germline): Uncertain significance (1 of 4 stars; one submission).

Conditions:
Duchenne muscular dystrophy (DMD). Also called: Duchenne Muscular Dystrophy (DMD); MUSCULAR DYSTROPHY, PSEUDOHYPERTROPHIC PROGRESSIVE, DUCHENNE TYPE. Identifiers: Orphanet 98896, MedGen C0013264, MONDO:0010679, OMIM 310200.

Submission:

Labcorp Genetics (formerly Invitae), Labcorp
Classification: Uncertain significance for Duchenne muscular dystrophy. Last evaluated: 2020-12-19. Review status: criteria provided, single submitter. Criteria: Invitae Variant Classification Sherloc (09022015). Collection method: clinical testing. Allele origin: germline.
Comment: This variant has not been reported in the literature in individuals with DMD-related conditions. This variant is not present in population databases (ExAC no frequency). This sequence change replaces histidine with proline at codon 2006 of the DMD protein (p.His2006Pro). The histidine residue is moderately conserved and there is a moderate physicochemical difference between histidine and proline. Algorithms developed to predict the effect of missense changes on protein structure and function are either unavailable or do not agree on the potential impact of this missense change (SIFT: "Deleterious"; PolyPhen-2: "Benign"; Align-GVGD: "Class C0"). In summary, the available evidence is currently insufficient to determine the role of this variant in disease. Therefore, it has been classified as a Variant of Uncertain Significance.